The following is an entry in ClinVar:

NM_000535.7(PMS2):c.1010_1024delinsTCATTTTGCTACAAGAGG (p.Thr337_Gln342delinsIleIleLeuLeuGlnGluGlu)

Gene: PMS2 (PMS1 homolog 2, mismatch repair system component; minus strand). Cytogenetic location: 7p22.1.
Variant type: Indel.
Coding change: c.1010_1024delinsTCATTTTGCTACAAGAGG on transcript NM_000535.7 (MANE Select); coding-DNA positions 1010 to 1024, CTCCAGATAAAAGGC replaced by TCATTTTGCTACAAGAGG.
Protein change: p.Thr337_Gln342delinsIleIleLeuLeuGlnGluGlu.
Molecular consequence: inframe indel. On other transcripts: non-coding transcript variant (1), intron variant (2).
Genome position (GRCh38, 1-based): chr7:5,989,920-5,989,934, GCCTTTTATCTGGAG replaced by CCTCTTGTAGCAAAATGA on the plus strand (CTCCAGATAAAAGGC replaced by TCATTTTGCTACAAGAGG on the coding strand, the reverse complement: PMS2 is on the minus strand). GRCh37 (hg19): chr7:6,029,551-6,029,565.
Other names: c.605_619delCTCCAGATAAAAGGCinsTCATTTTGCTACAAGAGG, p.Thr202_Gln207delinsIleIleLeuLeuGlnGluGlu (NM_001018040.1, NM_001406887.1, NM_001406888.1 and 13 more transcripts); c.605_619delinsTCATTTTGCTACAAGAGG, p.Thr202_Gln207delinsIleIleLeuLeuGlnGluGlu (NM_001322003.2, NM_001322004.2, NM_001322005.2 and 1 more transcripts); c.692_706delinsTCATTTTGCTACAAGAGG, p.Thr231_Gln236delinsIleIleLeuLeuGlnGluGlu (NM_001322007.2, NM_001322008.2); c.77_91delinsTCATTTTGCTACAAGAGG, p.Thr26_Gln31delinsIleIleLeuLeuGlnGluGlu (NM_001322011.2, NM_001322012.2); c.437_451delinsTCATTTTGCTACAAGAGG, p.Thr146_Gln151delinsIleIleLeuLeuGlnGluGlu (NM_001322013.2); c.1010_1024delinsTCATTTTGCTACAAGAGG, p.Thr337_Gln342delinsIleIleLeuLeuGlnGluGlu (NM_001322014.2); c.701_715delinsTCATTTTGCTACAAGAGG, p.Thr234_Gln239delinsIleIleLeuLeuGlnGluGlu (NM_001322015.2); c.1196_1210delCTCCAGATAAAAGGCinsTCATTTTGCTACAAGAGG, p.Thr399_Gln404delinsIleIleLeuLeuGlnGluGlu (NM_001406866.1); and 15 more.
Identifiers: ClinVar variation 1798765 (VCV001798765.2), dbSNP rs2535937052, ClinGen allele CA2580076754.

ClinVar aggregate classification (germline): Uncertain significance (1 of 4 stars; one submission).

Conditions:
Hereditary cancer-predisposing syndrome. Also called: Neoplastic Syndromes, Hereditary; Tumor predisposition; Hereditary Cancer Syndrome; Hereditary neoplastic syndrome. Identifiers: Orphanet 140162, MedGen C0027672, MeSH D009386, MONDO:0015356.

Submission:

Ambry Genetics
Classification: Uncertain significance for Hereditary cancer-predisposing syndrome. Last evaluated: 2020-09-30. Review status: criteria provided, single submitter. Criteria: Ambry Variant Classification Scheme 2023. Collection method: clinical testing. Allele origin: germline.
Comment: The c.1010_1024del15ins18 variant (also known as p.T337_Q342delinsIILLQEE), located in coding exon 10 of the PMS2 gene, results from an in-frame deletion of CTCCAGATAAAAGGC and insertion of TCATTTTGCTACAAGAGG at nucleotide positions 1010 to 1024. This results in the substitution of 7 amino acid residues (isoleucine, isoleucine, leucine, leucine, glutamine, glutamic acid, and glutamic acid) for 6 residues (threonine, proline, aspartic acid, lysine, arginine, and glutamine) at codons 337 to 343. This amino acid region is highly conserved in available vertebrate species. Since supporting evidence is limited at this time, the clinical significance of this alteration remains unclear.